The following is an entry in ClinVar:

NM_031892.3(SH3KBP1):c.251T>C (p.Leu84Pro)

Gene: SH3KBP1 (SH3 domain containing kinase binding protein 1; minus strand). Cytogenetic location: Xp22.12.
Variant type: single nucleotide variant.
Coding change: c.251T>C on transcript NM_031892.3 (MANE Select); coding-DNA position 251, T replaced by C.
Protein change: p.Leu84Pro; replaces leucine 84 with proline.
Molecular consequence: missense variant.
Genome position (GRCh38, 1-based): chrX:19,746,353, A>G on the plus strand (T>C on the coding strand, the complement: SH3KBP1 is on the minus strand). VCF-style: chrX-19746353-A-G. GRCh37 (hg19) VCF-style: chrX-19764471-A-G.
Other names: c.140T>C, p.Leu47Pro (NM_001024666.3); c.251T>C, p.Leu84Pro (NM_001353890.2, NM_001353891.2, NM_001353892.2); c.74T>C, p.Leu25Pro (NM_001353893.2, NM_001353894.2, NM_001353895.2); short protein forms L47P, L84P, L25P.
Identifiers: ClinVar variation 1353917 (VCV001353917.6), dbSNP rs753698582, ClinGen allele CA10364935.

ClinVar aggregate classification (germline): Uncertain significance (1 of 4 stars; one submission).

Allele frequency attached by ClinVar (database versions not stated): ExAC 0.00001; gnomAD 0.00001; gnomAD exomes 0.00001.
gnomAD v4.1: 8 of 1,209,306 alleles (0.00066%); highest among the groups gnomAD compares: Middle Eastern, 0.023%; no homozygotes.

Submission:

Labcorp Genetics (formerly Invitae), Labcorp
Classification: Uncertain significance. Last evaluated: 2024-11-05. Review status: criteria provided, single submitter. Criteria: Invitae Variant Classification Sherloc (09022015). Collection method: clinical testing. Allele origin: germline.
Comment: This sequence change replaces leucine, which is neutral and non-polar, with proline, which is neutral and non-polar, at codon 84 of the SH3KBP1 protein (p.Leu84Pro). The frequency data for this variant in the population databases is considered unreliable, as metrics indicate poor data quality at this position in the gnomAD database. This variant has not been reported in the literature in individuals affected with SH3KBP1-related conditions. ClinVar contains an entry for this variant (Variation ID: 1353917). Invitae Evidence Modeling of protein sequence and biophysical properties (such as structural, functional, and spatial information, amino acid conservation, physicochemical variation, residue mobility, and thermodynamic stability) indicates that this missense variant is not expected to disrupt SH3KBP1 protein function with a negative predictive value of 80%. In summary, the available evidence is currently insufficient to determine the role of this variant in disease. Therefore, it has been classified as a Variant of Uncertain Significance.